The following is an entry in ClinVar:

NM_001378454.1(ALMS1):c.8152dup (p.Ser2718fs)

Gene: ALMS1 (ALMS1 centrosome and basal body associated protein; plus strand). Cytogenetic location: 2p13.1.
Variant type: Duplication.
Coding change: c.8152dup on transcript NM_001378454.1 (MANE Select); coding-DNA position 8152, one base duplicated (T; older notation c.8152dupT).
Protein change: p.Ser2718fs; shifts the reading frame from serine 2718.
Molecular consequence: frameshift variant.
Genome position (GRCh38, 1-based): chr2:73,490,111, T duplicated; the last of 5 consecutive T bases (chr2:73,490,107-73,490,111); duplicating any one gives the same sequence. VCF-style (leftmost placement, unchanged base first): chr2-73490106-C-CT. GRCh37 (hg19) VCF-style: chr2-73717233-C-CT.
Other names: c.8155dup, p.Ser2719fs (NM_015120.4); c.8155dupT (NM_015120.4); short protein forms S2719fs, S2718fs.
Identifiers: ClinVar variation 557063 (VCV000557063.12), dbSNP rs1553409691, ClinGen allele CA658821976.

ClinVar aggregate classification (germline): Pathogenic/Likely pathogenic. Review status: criteria provided, multiple submitters, no conflicts (2 of 4 stars). 4 submissions from 4 submitters: Pathogenic (2); Likely pathogenic (1). 1 of the submissions does not count toward it. Last evaluated 2025-06-15.

Conditions:
Alstrom syndrome (ALMS). Identifiers: Orphanet 64, MedGen C0268425, MONDO:0008763, OMIM 203800.

Submissions (4):

Labcorp Genetics (formerly Invitae), Labcorp
Classification: Pathogenic for Alstrom syndrome. Last evaluated: 2025-06-15. Review status: criteria provided, single submitter. Criteria: Invitae Variant Classification Sherloc (09022015). Collection method: clinical testing. Allele origin: germline.
Comment: This sequence change creates a premature translational stop signal (p.Ser2719Phefs*7) in the ALMS1 gene. It is expected to result in an absent or disrupted protein product. Loss-of-function variants in ALMS1 are known to be pathogenic (PMID: 17594715). This variant is not present in population databases (gnomAD no frequency). This premature translational stop signal has been observed in individual(s) with Alstrom syndrome (PMID: 25846608). This variant is also known as c.8150_8151insT. ClinVar contains an entry for this variant (Variation ID: 557063). For these reasons, this variant has been classified as Pathogenic.

Natera, Inc.
Classification: Likely pathogenic for Alstrom syndrome. Last evaluated: 2024-10-03. Review status: criteria provided, single submitter. Criteria: Natera Variant Classification Schema (03/2026). Collection method: clinical testing. Allele origin: germline.
Comment: The c.8155dupT variant in ALMS1 is a frameshift variant predicted to shift the reading frame beginning at codon 2719 and leads to a stop codon 7 codons downstream. This variant is expected to result in nonsense mediated decay, truncation, or a dysfunctional protein product. This variant is rare in the general population with a frequency below the threshold expected for the associated phenotype(s). Given the available evidence, this variant is classified as Likely Pathogenic.

Women's Health and Genetics/Laboratory Corporation of America, LabCorp
Classification: Pathogenic for Alstrom syndrome. Last evaluated: 2022-11-16. Review status: criteria provided, single submitter. Criteria: LabCorp Variant Classification Summary - May 2015. Collection method: clinical testing. Allele origin: germline.
Comment: Variant summary: ALMS1 c.8149dupT (p.Ser2717PhefsX7, also known as c.8155dupT/p.Ser2719PhefsX7) results in a premature termination codon, predicted to cause a truncation of the encoded protein or absence of the protein due to nonsense mediated decay, which are commonly known mechanisms for disease. Truncations downstream of this position have been classified as pathogenic by our laboratory. The variant was absent in 249554 control chromosomes. c.8149dupT has been reported in the literature in individuals affected with Alstrom Syndrome (Marshall_2015). These data indicate that the variant may be associated with disease. To our knowledge, no experimental evidence demonstrating an impact on protein function has been reported. Two clinical diagnostic laboratories have submitted clinical-significance assessments for this variant to ClinVar after 2014 without evidence for independent evaluation. Both laboratories classified the variant as pathogenic/likely pathogenic. Based on the evidence outlined above, the variant was classified as pathogenic.

Counsyl
Classification: Likely pathogenic for Alstrom syndrome. Last evaluated: 2018-03-09. Review status: no assertion criteria provided. Collection method: clinical testing. Allele origin: unknown. Not counted in ClinVar's aggregate classification.

Literature cited by the submitters: PubMed 17594715 (cited by Labcorp Genetics (formerly Invitae), Labcorp); PubMed 25846608 (cited by 3 submitters); PubMed 33502066 (cited by Women's Health and Genetics/Laboratory Corporation of America, LabCorp).